The following is an entry in ClinVar:

NM_005228.5(EGFR):c.2156G>C (p.Gly719Ala)

Gene: EGFR (epidermal growth factor receptor; plus strand). Cytogenetic location: 7p11.2.
Variant type: single nucleotide variant.
Coding change: c.2156G>C on transcript NM_005228.5 (MANE Select); coding-DNA position 2156, G replaced by C.
Protein change: p.Gly719Ala; replaces glycine 719 with alanine.
Molecular consequence: missense variant.
Genome position (GRCh38, 1-based): chr7:55,174,015, G>C. VCF-style: chr7-55174015-G-C. GRCh37 (hg19) VCF-style: chr7-55241708-G-C.
Other names: c.2021G>C, p.Gly674Ala (NM_001346897.2, NM_001346899.2); c.2156G>C, p.Gly719Ala (NM_001346898.2); c.1997G>C, p.Gly666Ala (NM_001346900.2); c.1355G>C, p.Gly452Ala (NM_001346941.2); short protein forms G719A, G666A, G674A, G452A.
Identifiers: ClinVar variation 45225 (VCV000045225.8), dbSNP rs121913428, ClinGen allele CA135775.

ClinVar aggregate classification (germline): Pathogenic. Review status: criteria provided, single submitter (1 of 4 stars). 2 submissions from 2 submitters: Pathogenic (1). 1 of the submissions does not count toward it. Last evaluated 2013-01-04.
ClinVar aggregate classification (oncogenicity): Oncogenic (1 of 4 stars; one submission).

Conditions:
Non-small cell lung carcinoma (NSCLC). Also called: Non-small cell lung cancer. Identifiers: MedGen C0007131, MeSH D002289, MONDO:0005233, HP:0030358. Disease mechanism: Other.
Neoplasm. Also called: Neoplasms; Neoplasm (disease); tumor. Identifiers: MedGen C0027651, MeSH D009369, MONDO:0005070, HP:0002664.

Submissions (3):

Center for Genomic Medicine, Rigshospitalet, Copenhagen University Hospital
Classification: Oncogenic for Neoplasm. Last evaluated: 2025-03-04. Review status: criteria provided, single submitter. Criteria: ClinGen/CGC/VICC Guidelines for Oncogenicity, 2022. Collection method: clinical testing. Allele origin: somatic. Affected: yes.

Laboratory for Molecular Medicine, Mass General Brigham Personalized Medicine
Classification: Pathogenic for Non-Small Cell Lung Cancer. Last evaluated: 2013-01-04. Review status: criteria provided, single submitter. Criteria: LMM Criteria. Collection method: clinical testing. Allele origin: somatic. Observed: 30 variant alleles.
Comment: The Gly719Ala variant has been reported in isolation in individuals with increased sensitivity to gefitinib treatment (Han 2005).

Molecular Diagnostics Laboratory, University of Rochester Medical Center
Classification: Pathogenic for Non-small cell lung carcinoma. Review status: no assertion criteria provided. Collection method: curation. Allele origin: germline. Affected: yes. Not counted in ClinVar's aggregate classification.

Literature cited by the submitters: PubMed 26206867 (cited by Center for Genomic Medicine, Rigshospitalet, Copenhagen University Hospital); PubMed 29533785 (cited by Center for Genomic Medicine, Rigshospitalet, Copenhagen University Hospital); PubMed 15710947 (cited by Laboratory for Molecular Medicine, Mass General Brigham Personalized Medicine); PubMed 15738541 (cited by Laboratory for Molecular Medicine, Mass General Brigham Personalized Medicine); PubMed 20479403 (cited by Laboratory for Molecular Medicine, Mass General Brigham Personalized Medicine); PubMed 21531810 (cited by Laboratory for Molecular Medicine, Mass General Brigham Personalized Medicine); PubMed 31396478 (cited by Molecular Diagnostics Laboratory, University of Rochester Medical Center).